The following is an entry in ClinVar:

NM_001366006.2(ADGRL2):c.1664A>G (p.Lys555Arg)

Gene: ADGRL2 (adhesion G protein-coupled receptor L2; plus strand). Cytogenetic location: 1p31.1.
Variant type: single nucleotide variant.
Coding change: c.1664A>G on transcript NM_001366006.2 (MANE Select); coding-DNA position 1664, A replaced by G.
Protein change: p.Lys555Arg; replaces lysine 555 with arginine.
Molecular consequence: missense variant. On other transcripts: non-coding transcript variant (1).
Genome position (GRCh38, 1-based): chr1:81,952,012, A>G. VCF-style: chr1-81952012-A-G. GRCh37 (hg19) VCF-style: chr1-82417696-A-G.
Other names: c.1652A>G, p.Lys551Arg (NM_001297704.3, NM_001297705.3, NM_001297706.3 and 10 more transcripts); c.1664A>G, p.Lys555Arg (NM_001350698.2, NM_001366003.2, NM_001366004.2 and 4 more transcripts); c.1664A>G (NM_001366005.1); short protein forms K551R, K555R.
Identifiers: ClinVar variation 779220 (VCV000779220.6), dbSNP rs141619218, ClinGen allele CA922504.

ClinVar aggregate classification (germline): Likely benign. Review status: criteria provided, multiple submitters, no conflicts (2 of 4 stars). 3 submissions from 3 submitters: Likely benign (2). 1 of the submissions does not count toward it. Last evaluated 2018-05-15.

Conditions:
ADGRL2-related disorder. Also called: ADGRL2-related condition.

Allele frequency attached by ClinVar (database versions not stated): 1000 Genomes Project 0.00200; 1000 Genomes Project 30x 0.00234; gnomAD 0.00442 and 0.00481; ExAC 0.00498; gnomAD exomes 0.00513 and 0.00752; TOPMed 0.00514; ESP Exome Variant Server 0.00515.
gnomAD v4.1: 11,648 of 1,613,636 alleles (0.72%); highest among the groups gnomAD compares: Non-Finnish European, 0.86%; 60 homozygotes.

Submissions (3):

Labcorp Genetics (formerly Invitae), Labcorp
Classification: Likely benign. Last evaluated: 2018-05-15. Review status: criteria provided, single submitter. Criteria: Invitae Variant Classification Sherloc (09022015). Collection method: clinical testing. Allele origin: germline.

Breakthrough Genomics
Classification: Likely benign. Review status: criteria provided, single submitter. Criteria: ACMG Guidelines, 2015. Collection method: not provided. Allele origin: germline. Inheritance: Unknown mechanism. Affected: yes.

PreventionGenetics, part of Exact Sciences
Classification: Benign for ADGRL2-related condition. Last evaluated: 2019-07-24. Review status: no assertion criteria provided. Collection method: clinical testing. Allele origin: germline. Not counted in ClinVar's aggregate classification.
Comment: This variant is classified as benign based on ACMG/AMP sequence variant interpretation guidelines (Richards et al. 2015 PMID: 25741868, with internal and published modifications).